The following is an entry in ClinVar:

ClinVar aggregate classification (germline): Uncertain significance (1 of 4 stars; one submission).

Submission:

Ambry Genetics
Classification: Uncertain significance. Last evaluated: 2026-05-14. Review status: criteria provided, single submitter. Criteria: Ambry Variant Classification Scheme 2023. Collection method: clinical testing. Allele origin: germline.
Comment: The p.A97G variant (also known as c.290C>G), located in coding exon 3 of the SRP72 gene, results from a C to G substitution at nucleotide position 290. The alanine at codon 97 is replaced by glycine, an amino acid with similar properties. This amino acid position is conserved. In addition, the in silico prediction for this alteration is inconclusive. Based on the available evidence, the clinical significance of this variant remains unclear.

NM_006947.4(SRP72):c.290C>G (p.Ala97Gly)

Gene: SRP72 (signal recognition particle 72; plus strand). Cytogenetic location: 4q12.
Variant type: single nucleotide variant.
Coding change: c.290C>G on transcript NM_006947.4 (MANE Select); coding-DNA position 290, C replaced by G.
Protein change: p.Ala97Gly; replaces alanine 97 with glycine.
Molecular consequence: missense variant. On other transcripts: non-coding transcript variant (1).
Genome position (GRCh38, 1-based): chr4:56,471,779, C>G. VCF-style: chr4-56471779-C-G. GRCh37 (hg19) VCF-style: chr4-57337945-C-G.
Other names: c.290C>G, p.Ala97Gly (NM_001267722.2); short protein forms A97G.
Identifiers: ClinVar variation 4865141 (VCV004865141.1).